The following is an entry in ClinVar:

NM_006859.4(LIAS):c.266A>T (p.Asn89Ile)

Gene: LIAS (lipoic acid synthetase; plus strand). Cytogenetic location: 4p14.
Variant type: single nucleotide variant.
Coding change: c.266A>T on transcript NM_006859.4 (MANE Select); coding-DNA position 266, A replaced by T.
Protein change: p.Asn89Ile; replaces asparagine 89 with isoleucine.
Molecular consequence: missense variant. On other transcripts: intron variant (2).
Genome position (GRCh38, 1-based): chr4:39,462,243, A>T. VCF-style: chr4-39462243-A-T. GRCh37 (hg19) VCF-style: chr4-39463863-A-T.
Other names: c.266A>T, p.Asn89Ile (NM_001278590.2, NM_001278591.2, NM_194451.3); c.218+1281A>T (NM_001363700.2, NM_001278592.2); short protein forms N89I.
Identifiers: ClinVar variation 944532 (VCV000944532.9), dbSNP rs1230898917, ClinGen allele CA356664036.

ClinVar aggregate classification (germline): Uncertain significance (1 of 4 stars; one submission).

Conditions:
Lipoic acid synthetase deficiency. Also called: HYPERGLYCINEMIA, LACTIC ACIDOSIS, AND SEIZURES. Identifiers: Orphanet 401859, MedGen C3280887, MONDO:0013762, OMIM 614462.

Allele frequency attached by ClinVar (database versions not stated): gnomAD 0.00001; TOPMed 0.00002; gnomAD exomes below 0.00001.
gnomAD v4.1: 6 of 1,569,086 alleles (0.00038%); highest among the groups gnomAD compares: Non-Finnish European, 0.00052%; no homozygotes.

Submission:

Labcorp Genetics (formerly Invitae), Labcorp
Classification: Uncertain significance for Lipoic acid synthetase deficiency. Last evaluated: 2022-02-03. Review status: criteria provided, single submitter. Criteria: Invitae Variant Classification Sherloc (09022015). Collection method: clinical testing. Allele origin: germline.
Comment: Algorithms developed to predict the effect of missense changes on protein structure and function are either unavailable or do not agree on the potential impact of this missense change (SIFT: "Deleterious"; PolyPhen-2: "Benign"; Align-GVGD: "Class C65"). In summary, the available evidence is currently insufficient to determine the role of this variant in disease. Therefore, it has been classified as a Variant of Uncertain Significance. ClinVar contains an entry for this variant (Variation ID: 944532). This variant has not been reported in the literature in individuals affected with LIAS-related conditions. This variant is present in population databases (no rsID available, gnomAD 0.001%). This sequence change replaces asparagine, which is neutral and polar, with isoleucine, which is neutral and non-polar, at codon 89 of the LIAS protein (p.Asn89Ile).